The following is an entry in ClinVar:

NM_031483.7(ITCH):c.171C>G (p.Cys57Trp)

Gene: ITCH (itchy E3 ubiquitin protein ligase; plus strand). Cytogenetic location: 20q11.22.
Variant type: single nucleotide variant.
Coding change: c.171C>G on transcript NM_031483.7 (MANE Select); coding-DNA position 171, C replaced by G.
Protein change: p.Cys57Trp; replaces cysteine 57 with tryptophan.
Molecular consequence: missense variant. On other transcripts: intron variant (1).
Genome position (GRCh38, 1-based): chr20:34,408,751, C>G. VCF-style: chr20-34408751-C-G. GRCh37 (hg19) VCF-style: chr20-32996557-C-G.
Other names: p.Cys57Trp; c.171C>G, p.Cys57Trp (NM_001257137.3, NM_001324197.2, NM_001324198.2); c.-118-3764C>G (NM_001257138.3); short protein forms C57W.
Identifiers: ClinVar variation 4542384 (VCV004542384.1).
Genomic context (GRCh38, chr20:34,408,751, plus strand): 5'-TGGACCAAGTCCTTACGTAGAGGTCACAGTAGATGGACAGTCAAAGAAGACAGAAAAATG[C>G]AACAACACAAACAGTCCCAAGTGGAAGCAACCCCTTACAGTGTAAGCTTGGAAGTATTTT-3'
Protein context (NP_113671.3, residues 47-67): VDGQSKKTEK[Cys57Trp]NNTNSPKWKQ

ClinVar aggregate classification (germline): Uncertain significance (1 of 4 stars; one submission).

Submission:

Mayo Clinic Laboratories, Mayo Clinic
Classification: Uncertain significance. Last evaluated: 2025-01-01. Review status: criteria provided, single submitter. Criteria: ACMG Guidelines, 2015. Collection method: clinical testing. Allele origin: germline. Observed: 1 variant allele.
Comment: PM2_supporting